The following is an entry in ClinVar:

ClinVar aggregate classification (germline): Conflicting classifications of pathogenicity. Review status: criteria provided, conflicting classifications (1 of 4 stars). 2 submissions from 2 submitters: Uncertain significance (1); Likely benign (1). Last evaluated 2023-03-23.

Conditions:
Hereditary cancer-predisposing syndrome. Also called: Neoplastic Syndromes, Hereditary; Tumor predisposition; Hereditary neoplastic syndrome; Hereditary Cancer Syndrome. Identifiers: Orphanet 140162, MedGen C0027672, MeSH D009386, MONDO:0015356.
Hereditary breast ovarian cancer syndrome. Also called: BRCA1- and BRCA2-Associated Hereditary Breast and Ovarian Cancer; Hereditary breast and ovarian cancer; Hereditary breast and ovarian cancer syndrome; Hereditary breast and/or ovarian cancer syndrome; Hereditary breast and ovarian cancer syndrome (HBOC); Breast and ovarian cancer. Identifiers: Orphanet 145, MedGen C0677776, MeSH D061325, MONDO:0003582. Disease mechanism: loss of function.

Submissions (2):

University of Washington Department of Laboratory Medicine, University of Washington
Classification: Likely benign for Hereditary cancer-predisposing syndrome. Last evaluated: 2023-03-23. Review status: criteria provided, single submitter. Criteria: Dines et al. (Genet Med. 2020). Collection method: curation. Allele origin: germline.
Comment: Missense variant in a coldspot region where missense variants are very unlikely to be pathogenic (PMID:31911673).

BRCA1 coldspot (exon 11 using historical exon numbering). Reclassification based on statistical prior probability

Labcorp Genetics (formerly Invitae), Labcorp
Classification: Uncertain significance for Hereditary breast ovarian cancer syndrome. Last evaluated: 2020-11-10. Review status: criteria provided, single submitter. Criteria: Invitae Variant Classification Sherloc (09022015). Collection method: clinical testing. Allele origin: germline.
Comment: This variant has not been reported in the literature in individuals with BRCA1-related conditions. Advanced modeling of protein sequence and biophysical properties (such as structural, functional, and spatial information, amino acid conservation, physicochemical variation, residue mobility, and thermodynamic stability) performed at Invitae indicates that this missense variant is not expected to disrupt BRCA1 protein function. In summary, the available evidence is currently insufficient to determine the role of this variant in disease. Therefore, it has been classified as a Variant of Uncertain Significance. This sequence change replaces serine with glycine at codon 1294 of the BRCA1 protein (p.Ser1294Gly). The serine residue is moderately conserved and there is a small physicochemical difference between serine and glycine. This variant is not present in population databases (ExAC no frequency).

NM_007294.4(BRCA1):c.3880A>G (p.Ser1294Gly)

Genes: BRCA1 (BRCA1 DNA repair associated; minus strand), LOC126862571 (BRD4-independent group 4 enhancer GRCh37_chr17:41243136-41244335; plus strand). Cytogenetic location: 17q21.31.
Variant type: single nucleotide variant.
Coding change: c.3880A>G on transcript NM_007294.4 (MANE Select); coding-DNA position 3880, A replaced by G.
Protein change: p.Ser1294Gly; replaces serine 1294 with glycine.
Molecular consequence: missense variant. On other transcripts: intron variant (135).
Genome position (GRCh38, 1-based): chr17:43,091,651, T>C on the plus strand (A>G on the coding strand, the complement: BRCA1 is on the minus strand). VCF-style: chr17-43091651-T-C. GRCh37 (hg19) VCF-style: chr17-41243668-T-C.
Other names: c.3667A>G, p.Ser1223Gly (NM_001407571.1, NM_001407853.1, NM_001407894.1 and 9 more transcripts); c.3880A>G, p.Ser1294Gly (NM_001407581.1, NM_001407582.1, NM_001407583.1 and 30 more transcripts); c.3877A>G, p.Ser1293Gly (NM_001407587.1, NM_001407590.1, NM_001407591.1 and 22 more transcripts); c.3871A>G, p.Ser1291Gly (NM_001407646.1, NM_001407647.1); c.3757A>G, p.Ser1253Gly (NM_001407648.1, NM_001407664.1, NM_001407665.1 and 19 more transcripts); c.3754A>G, p.Ser1252Gly (NM_001407649.1, NM_001407670.1, NM_001407671.1 and 11 more transcripts); c.3802A>G, p.Ser1268Gly (NM_001407653.1, NM_001407654.1, NM_001407655.1 and 4 more transcripts); c.3799A>G, p.Ser1267Gly (NM_001407659.1, NM_001407660.1, NM_001407661.1 and 1 more transcripts); and 41 more; short protein forms S1294G, S1247G, S1166G, S1223G, S426G, S1205G, S1227G, S1252G.
Identifiers: ClinVar variation 1371774 (VCV001371774.11), dbSNP rs2154279207, ClinGen allele CA10594206.